The following is an entry in ClinVar:

NM_001375567.1(FOCAD):c.2033C>T (p.Thr678Met)

Gene: FOCAD (focadhesin; plus strand). Cytogenetic location: 9p21.3.
Variant type: single nucleotide variant.
Coding change: c.2033C>T on transcript NM_001375567.1 (MANE Select); coding-DNA position 2033, C replaced by T.
Protein change: p.Thr678Met; replaces threonine 678 with methionine.
Molecular consequence: missense variant.
Genome position (GRCh38, 1-based): chr9:20,862,690, C>T. VCF-style: chr9-20862690-C-T. GRCh37 (hg19) VCF-style: chr9-20862689-C-T.
Other names: c.1928C>T, p.Thr643Met (NM_001375568.1, NM_001375570.1); c.2033C>T, p.Thr678Met (NM_017794.5); short protein forms T678M, T643M.
Identifiers: ClinVar variation 4691705 (VCV004691705.1).

ClinVar aggregate classification (germline): Uncertain significance (1 of 4 stars; one submission).

gnomAD v4.1: 43 of 1,612,614 alleles (0.0027%); highest among the groups gnomAD compares: East Asian, 0.0045%; no homozygotes.

Submission:

Labcorp Genetics (formerly Invitae), Labcorp
Classification: Uncertain significance. Last evaluated: 2025-11-05. Review status: criteria provided, single submitter. Criteria: Invitae Variant Classification Sherloc (09022015). Collection method: clinical testing. Allele origin: germline.
Comment: This sequence change replaces threonine, which is neutral and polar, with methionine, which is neutral and non-polar, at codon 678 of the FOCAD protein (p.Thr678Met). This variant is present in population databases (rs369416690, gnomAD 0.01%). This variant has not been reported in the literature in individuals affected with FOCAD-related conditions. Experimental studies and prediction algorithms are not available or were not evaluated, and the functional significance of this variant is currently unknown. In summary, the available evidence is currently insufficient to determine the role of this variant in disease. Therefore, it has been classified as a Variant of Uncertain Significance.